The following is an entry in ClinVar:

NM_001134363.3(RBM20):c.2271C>T (p.Asp757=)

Gene: RBM20 (RNA binding motif protein 20; plus strand). Cytogenetic location: 10q25.2.
Variant type: single nucleotide variant.
Coding change: c.2271C>T on transcript NM_001134363.3 (MANE Select); coding-DNA position 2271, C replaced by T.
Protein change: p.Asp757=; no amino-acid change (aspartic acid 757 retained).
Molecular consequence: synonymous variant.
Genome position (GRCh38, 1-based): chr10:110,812,668, C>T. VCF-style: chr10-110812668-C-T. GRCh37 (hg19) VCF-style: chr10-112572426-C-T.
Identifiers: ClinVar variation 470598 (VCV000470598.14), dbSNP rs1168255004, ClinGen allele CA471507335.

ClinVar aggregate classification (germline): Likely benign. Review status: criteria provided, multiple submitters, no conflicts (2 of 4 stars). 4 submissions from 4 submitters: Likely benign (4). Last evaluated 2026-03-27.

Conditions:
Dilated cardiomyopathy 1DD (CMD1DD). Identifiers: Orphanet 154, MedGen C2750995, MONDO:0013168, OMIM 613172.
Cardiovascular phenotype. Identifiers: MedGen CN230736.

Allele frequency attached by ClinVar (database versions not stated): gnomAD exomes 0.00002; TOPMed 0.00002; gnomAD 0.00001.
gnomAD v4.1: 25 of 1,551,602 alleles (0.0016%); highest among the groups gnomAD compares: South Asian, 0.0048%; no homozygotes.

Submissions (4):

Molecular Diagnostic Laboratory for Inherited Cardiovascular Disease, Montreal Heart Institute
Classification: Likely benign. Last evaluated: 2026-03-27. Review status: criteria provided, single submitter. Criteria: ACMG Guidelines, 2015. Collection method: clinical testing. Allele origin: germline. Affected: no.
Comment: PM2;BP7

Labcorp Genetics (formerly Invitae), Labcorp
Classification: Likely benign for Dilated cardiomyopathy 1DD. Last evaluated: 2025-10-04. Review status: criteria provided, single submitter. Criteria: Invitae Variant Classification Sherloc (09022015). Collection method: clinical testing. Allele origin: germline.

Blueprint Genetics
Classification: Likely benign. Last evaluated: 2024-03-26. Review status: criteria provided, single submitter. Criteria: ACMG Guidelines, 2015. Collection method: clinical testing. Allele origin: germline.

Ambry Genetics
Classification: Likely benign for Cardiovascular phenotype. Last evaluated: 2022-10-30. Review status: criteria provided, single submitter. Criteria: Ambry Variant Classification Scheme 2023. Collection method: clinical testing. Allele origin: germline.